The following is an entry in ClinVar:

NM_014159.7(SETD2):c.3572A>G (p.Lys1191Arg)

Gene: SETD2 (SET domain containing 2, histone lysine methyltransferase; minus strand). Cytogenetic location: 3p21.31.
Variant type: single nucleotide variant.
Coding change: c.3572A>G on transcript NM_014159.7 (MANE Select); coding-DNA position 3572, A replaced by G.
Protein change: p.Lys1191Arg; replaces lysine 1191 with arginine.
Molecular consequence: missense variant. On other transcripts: non-coding transcript variant (1).
Genome position (GRCh38, 1-based): chr3:47,121,064, T>C on the plus strand (A>G on the coding strand, the complement: SETD2 is on the minus strand). VCF-style: chr3-47121064-T-C. GRCh37 (hg19) VCF-style: chr3-47162554-T-C.
Other names: c.3440A>G, p.Lys1147Arg (NM_001349370.3); short protein forms K1191R, K1147R.
Identifiers: ClinVar variation 567528 (VCV000567528.2), dbSNP rs1559742980, ClinGen allele CA352521971.
Genomic context (GRCh38, chr3:47,121,064, plus strand): 5'-TCTTCAAAATCAGAAGAATAAATTGGCAGCTCTTCTTGCTGCCTAGAAGGTATTTTGGCT[T>C]TCACGGTTTCCTCTGAATTTGGGTGACCCAGAGGGTCAGATTTCACATCTGTATGACTTG-3'
Protein context (NP_054878.5, residues 1181-1201): LGHPNSEETV[Lys1191Arg]AKIPSRQQEE

ClinVar aggregate classification (germline): Uncertain significance (1 of 4 stars; one submission).

Conditions:
Luscan-Lumish syndrome. Identifiers: Orphanet 597738, MedGen C4085873, MONDO:0014791, OMIM 616831.

Submission:

Labcorp Genetics (formerly Invitae), Labcorp
Classification: Uncertain significance for Luscan-lumish syndrome. Last evaluated: 2018-10-02. Review status: criteria provided, single submitter. Criteria: Invitae Variant Classification Sherloc (09022015). Collection method: clinical testing. Allele origin: germline.
Comment: This sequence change replaces lysine with arginine at codon 1191 of the SETD2 protein (p.Lys1191Arg). The lysine residue is weakly conserved and there is a small physicochemical difference between lysine and arginine. This variant is not present in population databases (ExAC no frequency). This variant has not been reported in the literature in individuals with SETD2-related disease. Algorithms developed to predict the effect of missense changes on protein structure and function output the following: SIFT: "Tolerated"; PolyPhen-2: "Benign"; Align-GVGD: "Class C0". The arginine amino acid residue is found in multiple mammalian species, suggesting that this missense change does not adversely affect protein function. These predictions have not been confirmed by published functional studies and their clinical significance is uncertain. In summary, the available evidence is currently insufficient to determine the role of this variant in disease. Therefore, it has been classified as a Variant of Uncertain Significance.